The following is an entry in ClinVar:

ClinVar aggregate classification (germline): Likely benign. Review status: criteria provided, multiple submitters, no conflicts (2 of 4 stars). 2 submissions from 2 submitters: Likely benign (2). Last evaluated 2026-04-01.

Conditions:
Dilated cardiomyopathy 1G (CMD1G). Identifiers: Orphanet 154, MedGen C1858763, MONDO:0011400, OMIM 604145.
Autosomal recessive limb-girdle muscular dystrophy type 2J (LGMDR10). Also called: Limb-girdle muscular dystrophy, type 2J; MUSCULAR DYSTROPHY, LIMB-GIRDLE, AUTOSOMAL RECESSIVE 10. Identifiers: Orphanet 140922, MedGen C1837342, MONDO:0012127, OMIM 608807.

Allele frequency attached by ClinVar (database versions not stated): TOPMed 0.00005; gnomAD 0.00009; ExAC 0.00001; gnomAD exomes 0.00002 and 0.00003.
gnomAD v4.1: 24 of 1,612,530 alleles (0.0015%); highest among the groups gnomAD compares: Admixed American, 0.03%; no homozygotes.

Submissions (2):

CeGaT Center for Human Genetics Tuebingen
Classification: Likely benign. Last evaluated: 2026-04-01. Review status: criteria provided, single submitter. Criteria: CeGaT Center For Human Genetics Tuebingen Variant Classification Criteria Version 2. Collection method: clinical testing. Allele origin: germline. Affected: yes. Observed: 2 variant alleles.
Comment: TTN: BP4, BP7

Labcorp Genetics (formerly Invitae), Labcorp
Classification: Likely benign for Dilated cardiomyopathy 1G; Autosomal recessive limb-girdle muscular dystrophy type 2J. Last evaluated: 2025-03-16. Review status: criteria provided, single submitter. Criteria: Invitae Variant Classification Sherloc (09022015). Collection method: clinical testing. Allele origin: germline.

NM_001267550.2(TTN):c.45780A>G (p.Leu15260=)

Gene: TTN (titin; minus strand). Cytogenetic location: 2q31.2.
Variant type: single nucleotide variant.
Coding change: c.45780A>G on transcript NM_001267550.2 (MANE Select); coding-DNA position 45780, A replaced by G.
Protein change: p.Leu15260=; no amino-acid change (leucine 15260 retained).
Molecular consequence: synonymous variant.
Genome position (GRCh38, 1-based): chr2:178,620,830, T>C on the plus strand (A>G on the coding strand, the complement: TTN is on the minus strand). VCF-style: chr2-178620830-T-C. GRCh37 (hg19) VCF-style: chr2-179485557-T-C.
Other names: c.40857A>G, p.Leu13619= (NM_001256850.1); c.18585A>G, p.Leu6195= (NM_003319.4); c.38076A>G, p.Leu12692= (NM_133378.4); c.18960A>G, p.Leu6320= (NM_133432.3); c.19161A>G, p.Leu6387= (NM_133437.4).
Identifiers: ClinVar variation 1630614 (VCV001630614.32), dbSNP rs778798573, ClinGen allele CA1995370.